The following is an entry in ClinVar:

ClinVar aggregate classification (germline): Uncertain significance (1 of 4 stars; one submission).

Conditions:
Gastrointestinal stromal tumor. Also called: Gastrointestinal stroma tumor; Gastrointestinal stromal tumor, somatic. Identifiers: Orphanet 44890, MedGen C0238198, MeSH D046152, MONDO:0011719, OMIM 606764, HP:0100723.

Submission:

Labcorp Genetics (formerly Invitae), Labcorp
Classification: Uncertain significance for Gastrointestinal stromal tumor. Last evaluated: 2022-04-08. Review status: criteria provided, single submitter. Criteria: Invitae Variant Classification Sherloc (09022015). Collection method: clinical testing. Allele origin: germline.
Comment: This sequence change falls in intron 18 of the PDGFRA gene. It does not directly change the encoded amino acid sequence of the PDGFRA protein. This variant is not present in population databases (gnomAD no frequency). This variant has not been reported in the literature in individuals affected with PDGFRA-related conditions. Algorithms developed to predict the effect of sequence changes on RNA splicing suggest that this variant may disrupt the consensus splice site. In summary, the available evidence is currently insufficient to determine the role of this variant in disease. Therefore, it has been classified as a Variant of Uncertain Significance.

NM_006206.6(PDGFRA):c.2562+15_2562+27del

Gene: PDGFRA (platelet derived growth factor receptor alpha; plus strand). Cytogenetic location: 4q12.
Variant type: Deletion.
Coding change: c.2562+15_2562+27del on transcript NM_006206.6 (MANE Select); bases 15 to 27 of the intron after coding-DNA position 2562, 13 bases deleted (CCCTCACTGGTCA).
Molecular consequence: intron variant.
Genome position (GRCh38, 1-based): chr4:54,285,978-54,285,990, CCCTCACTGGTCA deleted. VCF-style (leftmost placement, unchanged base first): chr4-54285977-TCCCTCACTGGTCA-T. GRCh37 (hg19) VCF-style: chr4-55152144-TCCCTCACTGGTCA-T.
Other names: c.2637+15_2637+27del (NM_001347828.2); c.2562+15_2562+27del (NM_001347829.2); c.2601+15_2601+27del (NM_001347830.2).
Identifiers: ClinVar variation 2123309 (VCV002123309.4), dbSNP rs2475549716, ClinGen allele CA2580071124.